The following is an entry in ClinVar:

NM_004519.4(KCNQ3):c.1470C>G (p.Ala490=)

Gene: KCNQ3 (potassium voltage-gated channel subfamily Q member 3; minus strand). Cytogenetic location: 8q24.22.
Variant type: single nucleotide variant.
Coding change: c.1470C>G on transcript NM_004519.4 (MANE Select); coding-DNA position 1470, C replaced by G.
Protein change: p.Ala490=; no amino-acid change (alanine 490 retained).
Molecular consequence: synonymous variant.
Genome position (GRCh38, 1-based): chr8:132,140,174, G>C on the plus strand (C>G on the coding strand, the complement: KCNQ3 is on the minus strand). VCF-style: chr8-132140174-G-C. GRCh37 (hg19) VCF-style: chr8-133152421-G-C.
Other names: c.1110C>G, p.Ala370= (NM_001204824.2).
Identifiers: ClinVar variation 512525 (VCV000512525.1), dbSNP rs765705898, ClinGen allele CA463004601.

ClinVar aggregate classification (germline): Likely benign (1 of 4 stars; one submission).

gnomAD v4.1: 14 of 1,612,142 alleles (0.00087%); highest among the groups gnomAD compares: Non-Finnish European, 0.0012%; no homozygotes.

Submission:

GeneDx
Classification: Likely benign. Last evaluated: 2017-10-10. Review status: criteria provided, single submitter. Criteria: GeneDx Variant Classification (06012015). Collection method: clinical testing. Allele origin: germline. Affected: yes.
Comment: This variant is considered likely benign or benign based on one or more of the following criteria: it is a conservative change, it occurs at a poorly conserved position in the protein, it is predicted to be benign by multiple in silico algorithms, and/or has population frequency not consistent with disease.